The following is an entry in ClinVar:

ClinVar aggregate classification (germline): Uncertain significance (1 of 4 stars; one submission).

Conditions:
Hypoplastic left heart syndrome. Also called: Hypoplastic left ventricle; Hypoplastic left heart. Identifiers: Orphanet 2248, MedGen C0152101, MONDO:0004933, HP:0004383.

gnomAD v4.1: 5 of 1,614,190 alleles (0.00031%); highest among the groups gnomAD compares: Non-Finnish European, 0.00034%; no homozygotes.

Submission:

Labcorp Genetics (formerly Invitae), Labcorp
Classification: Uncertain significance for Hypoplastic left heart syndrome. Last evaluated: 2024-02-02. Review status: criteria provided, single submitter. Criteria: Invitae Variant Classification Sherloc (09022015). Collection method: clinical testing. Allele origin: germline.
Comment: This sequence change replaces valine, which is neutral and non-polar, with leucine, which is neutral and non-polar, at codon 149 of the HAND1 protein (p.Val149Leu). This variant is not present in population databases (gnomAD no frequency). This variant has not been reported in the literature in individuals affected with HAND1-related conditions. An algorithm developed to predict the effect of missense changes on protein structure and function (PolyPhen-2) suggests that this variant is likely to be tolerated. In summary, the available evidence is currently insufficient to determine the role of this variant in disease. Therefore, it has been classified as a Variant of Uncertain Significance.

NM_004821.3(HAND1):c.445G>T (p.Val149Leu)

Gene: HAND1 (heart and neural crest derivatives expressed 1; minus strand). Cytogenetic location: 5q33.2.
Variant type: single nucleotide variant.
Coding change: c.445G>T on transcript NM_004821.3 (MANE Select); coding-DNA position 445, G replaced by T.
Protein change: p.Val149Leu; replaces valine 149 with leucine.
Molecular consequence: missense variant.
Genome position (GRCh38, 1-based): chr5:154,477,564, C>A on the plus strand (G>T on the coding strand, the complement: HAND1 is on the minus strand). VCF-style: chr5-154477564-C-A. GRCh37 (hg19) VCF-style: chr5-153857124-C-A.
Other names: short protein forms V149L.
Identifiers: ClinVar variation 3716513 (VCV003716513.2).